The following is an entry in ClinVar:

ClinVar aggregate classification (germline): Uncertain significance (1 of 4 stars; one submission).

Conditions:
Hereditary cancer-predisposing syndrome. Also called: Neoplastic Syndromes, Hereditary; Tumor predisposition; Hereditary Cancer Syndrome; Hereditary neoplastic syndrome. Identifiers: Orphanet 140162, MedGen C0027672, MeSH D009386, MONDO:0015356.

Submission:

Ambry Genetics
Classification: Uncertain significance for Hereditary cancer-predisposing syndrome. Last evaluated: 2025-10-16. Review status: criteria provided, single submitter. Criteria: Ambry Variant Classification Scheme 2023. Collection method: clinical testing. Allele origin: germline.
Comment: The p.A1312V variant (also known as c.3935C>T), located in coding exon 31 of the POLE gene, results from a C to T substitution at nucleotide position 3935. The alanine at codon 1312 is replaced by valine, an amino acid with similar properties. This amino acid position is conserved. In addition, this alteration is predicted to be tolerated by in silico analysis. Based on the available evidence, the clinical significance of this variant remains unclear.

NM_006231.4(POLE):c.3935C>T (p.Ala1312Val)

Gene: POLE (DNA polymerase epsilon, catalytic subunit; minus strand). Cytogenetic location: 12q24.33.
Variant type: single nucleotide variant.
Coding change: c.3935C>T on transcript NM_006231.4 (MANE Select); coding-DNA position 3935, C replaced by T.
Protein change: p.Ala1312Val; replaces alanine 1312 with valine.
Molecular consequence: missense variant.
Genome position (GRCh38, 1-based): chr12:132,649,376, G>A on the plus strand (C>T on the coding strand, the complement: POLE is on the minus strand). VCF-style: chr12-132649376-G-A. GRCh37 (hg19) VCF-style: chr12-133225962-G-A.
Other names: short protein forms A1312V.
Identifiers: ClinVar variation 4670663 (VCV004670663.1).